The following is an entry in ClinVar:

ClinVar aggregate classification (germline): Uncertain significance. Review status: criteria provided, multiple submitters, no conflicts (2 of 4 stars). 2 submissions from 2 submitters: Uncertain significance (2). Last evaluated 2024-09-20.

Conditions:
Inborn genetic diseases. Identifiers: MedGen C0950123, MeSH D030342.

Allele frequency attached by ClinVar (database versions not stated): gnomAD exomes 0.00002; ExAC 0.00003; gnomAD 0.00003; TOPMed 0.00003.
gnomAD v4.1: 36 of 1,614,068 alleles (0.0022%); highest among the groups gnomAD compares: Middle Eastern, 0.016%; no homozygotes.

Submissions (2):

Ambry Genetics
Classification: Uncertain significance for Inborn genetic diseases. Last evaluated: 2024-09-20. Review status: criteria provided, single submitter. Criteria: Ambry Variant Classification Scheme 2023. Collection method: clinical testing. Allele origin: germline.

Labcorp Genetics (formerly Invitae), Labcorp
Classification: Uncertain significance. Last evaluated: 2021-11-14. Review status: criteria provided, single submitter. Criteria: Invitae Variant Classification Sherloc (09022015). Collection method: clinical testing. Allele origin: germline.
Comment: This sequence change replaces proline, which is neutral and non-polar, with serine, which is neutral and polar, at codon 284 of the COL18A1 protein (p.Pro284Ser). This variant is present in population databases (rs766846763, gnomAD 0.01%). This variant has not been reported in the literature in individuals affected with COL18A1-related conditions. Experimental studies and prediction algorithms are not available or were not evaluated, and the functional significance of this variant is currently unknown. In summary, the available evidence is currently insufficient to determine the role of this variant in disease. Therefore, it has been classified as a Variant of Uncertain Significance.

NM_001379500.1(COL18A1):c.850C>T (p.Pro284Ser)

Gene: COL18A1 (collagen type XVIII alpha 1 chain; plus strand). Cytogenetic location: 21q22.3.
Variant type: single nucleotide variant.
Coding change: c.850C>T on transcript NM_001379500.1 (MANE Select); coding-DNA position 850, C replaced by T.
Protein change: p.Pro284Ser; replaces proline 284 with serine.
Molecular consequence: missense variant.
Genome position (GRCh38, 1-based): chr21:45,476,402, C>T. VCF-style: chr21-45476402-C-T. GRCh37 (hg19) VCF-style: chr21-46896316-C-T.
Other names: NM_130445.2:c.850C>T; c.1390C>T, p.Pro464Ser (NM_030582.4); c.2095C>T, p.Pro699Ser (NM_130444.3); short protein forms P284S, P699S, P464S.
Identifiers: ClinVar variation 1505583 (VCV001505583.4), dbSNP rs766846763, ClinGen allele CA10065967.